The following is an entry in ClinVar:

ClinVar aggregate classification (germline): Uncertain significance. Review status: criteria provided, multiple submitters, no conflicts (2 of 4 stars). 4 submissions from 4 submitters: Uncertain significance (3). 1 of the submissions does not count toward it. Last evaluated 2025-04-07.

Conditions:
Fanconi anemia (FA). Also called: Fanconi's anemia. Identifiers: Orphanet 84, MedGen C0015625, MeSH D005199, MONDO:0019391.

Allele frequency attached by ClinVar (database versions not stated): TOPMed 0.00006.
gnomAD v4.1: 31 of 1,614,126 alleles (0.0019%); highest among the groups gnomAD compares: East Asian, 0.022%; no homozygotes.

Submissions (4):

Women's Health and Genetics/Laboratory Corporation of America, LabCorp
Classification: Uncertain significance. Last evaluated: 2025-04-07. Review status: criteria provided, single submitter. Criteria: LabCorp Variant Classification Summary - May 2015. Collection method: clinical testing. Allele origin: germline.

Sema4
Classification: Uncertain significance for Fanconi anemia. Last evaluated: 2022-03-09. Review status: criteria provided, single submitter. Criteria: Sema4 Curation Guidelines. Collection method: curation. Allele origin: germline.
Comment: The FANCA c.4260+6G>A variant has not been reported in the literature to our knowledge. This variant was observed in 7/19954 chromosomes in the East Asian population, according to the Genome Aggregation Database (PMID: 32461654). The variant has been reported in ClinVar (Variation ID: 970090). In silico tools suggest the variant does not have an impact on splicing, though these predictions have not been confirmed by functional studies. There is no indication that this variant causes disease, but the evidence is insufficient currently to prove that conclusively. Thus, the clinical significance of this variant is currently uncertain.

Labcorp Genetics (formerly Invitae), Labcorp
Classification: Uncertain significance for Fanconi anemia. Last evaluated: 2022-02-10. Review status: criteria provided, single submitter. Criteria: Invitae Variant Classification Sherloc (09022015). Collection method: clinical testing. Allele origin: germline.
Comment: This sequence change falls in intron 42 of the FANCA gene. It does not directly change the encoded amino acid sequence of the FANCA protein. It affects a nucleotide within the consensus splice site. This variant is present in population databases (rs374793201, gnomAD 0.03%). This variant has not been reported in the literature in individuals affected with FANCA-related conditions. ClinVar contains an entry for this variant (Variation ID: 970090). Variants that disrupt the consensus splice site are a relatively common cause of aberrant splicing (PMID: 17576681, 9536098). Algorithms developed to predict the effect of sequence changes on RNA splicing suggest that this variant may disrupt the consensus splice site. In summary, the available evidence is currently insufficient to determine the role of this variant in disease. Therefore, it has been classified as a Variant of Uncertain Significance.

Natera, Inc.
Classification: Uncertain significance for Fanconi anemia. Last evaluated: 2020-02-08. Review status: no assertion criteria provided. Collection method: clinical testing. Allele origin: germline. Not counted in ClinVar's aggregate classification.

Literature cited by the submitters: PubMed 17576681 (cited by Labcorp Genetics (formerly Invitae), Labcorp); PubMed 9536098 (cited by Labcorp Genetics (formerly Invitae), Labcorp).

NM_000135.4(FANCA):c.4260+6G>A

Genes: FANCA (FA complementation group A; minus strand), ZNF276 (zinc finger protein 276; plus strand). Cytogenetic location: 16q24.3.
Variant type: single nucleotide variant.
Coding change: c.4260+6G>A on transcript NM_000135.4 (MANE Select); 6 bases into the intron after coding-DNA position 4260, G replaced by A.
Molecular consequence: intron variant. On other transcripts: 3 prime UTR variant (2), non-coding transcript variant (4).
Genome position (GRCh38, 1-based): chr16:89,738,876, C>T on the plus strand (G>A on the coding strand, the complement: FANCA is on the minus strand). VCF-style: chr16-89738876-C-T. GRCh37 (hg19) VCF-style: chr16-89805284-C-T.
Other names: c.*630C>T (NM_001113525.2, NM_152287.4); c.4264+6G>A (NM_001286167.3).
Identifiers: ClinVar variation 970090 (VCV000970090.9), dbSNP rs374793201, ClinGen allele CA8250662.